The following is an entry in ClinVar:

ClinVar aggregate classification (germline): Uncertain significance. Review status: criteria provided, multiple submitters, no conflicts (2 of 4 stars). 2 submissions from 2 submitters: Uncertain significance (2). Last evaluated 2022-03-11.

Conditions:
Congenital myasthenic syndrome 10. Also called: Myasthenia, limb-girdle, familial. Identifiers: Orphanet 590, MedGen C1850792, MONDO:0009690, OMIM 254300.
Fetal akinesia deformation sequence 1 (FADS1). Also called: Pena-Shokeir syndrome type I; Fetal akinesia sequence. Identifiers: Orphanet 994, MedGen C1276035, MONDO:0100101, OMIM 208150, HP:0001989.

Allele frequency attached by ClinVar (database versions not stated): gnomAD 0.00003 and 0.00004.
gnomAD v4.1: 7 of 1,591,984 alleles (0.00044%); highest among the groups gnomAD compares: African/African-American, 0.008%; no homozygotes.

Submissions (2):

Labcorp Genetics (formerly Invitae), Labcorp
Classification: Uncertain significance for Congenital myasthenic syndrome 10; Fetal akinesia deformation sequence 1. Last evaluated: 2022-03-11. Review status: criteria provided, single submitter. Criteria: Invitae Variant Classification Sherloc (09022015). Collection method: clinical testing. Allele origin: germline.
Comment: This sequence change replaces alanine, which is neutral and non-polar, with serine, which is neutral and polar, at codon 380 of the DOK7 protein (p.Ala380Ser). This variant is present in population databases (no rsID available, gnomAD 0.01%). This variant has not been reported in the literature in individuals affected with DOK7-related conditions. Algorithms developed to predict the effect of missense changes on protein structure and function (SIFT, PolyPhen-2, Align-GVGD) all suggest that this variant is likely to be tolerated. In summary, the available evidence is currently insufficient to determine the role of this variant in disease. Therefore, it has been classified as a Variant of Uncertain Significance.

Revvity Omics, Revvity
Classification: Uncertain significance. Last evaluated: 2019-04-05. Review status: criteria provided, single submitter. Criteria: ACMG Guidelines, 2015. Collection method: clinical testing. Allele origin: germline.

NM_173660.5(DOK7):c.1138G>T (p.Ala380Ser)

Gene: DOK7 (docking protein 7; plus strand). Cytogenetic location: 4p16.3.
Variant type: single nucleotide variant.
Coding change: c.1138G>T on transcript NM_173660.5 (MANE Select); coding-DNA position 1138, G replaced by T.
Protein change: p.Ala380Ser; replaces alanine 380 with serine.
Molecular consequence: missense variant. On other transcripts: 3 prime UTR variant (1).
Genome position (GRCh38, 1-based): chr4:3,493,124, G>T. VCF-style: chr4-3493124-G-T. GRCh37 (hg19) VCF-style: chr4-3494851-G-T.
Other names: c.1138G>T (NM_173660.4); c.*359G>T (NM_001164673.2); c.208G>T, p.Ala70Ser (NM_001256896.2); c.1138G>T, p.Ala380Ser (NM_001301071.2); c.706G>T, p.Ala236Ser (NM_001363811.2); short protein forms A236S, A380S, A70S.
Identifiers: ClinVar variation 1420057 (VCV001420057.5), dbSNP rs760412846, ClinGen allele CA356117424.